The following is an entry in ClinVar:

ClinVar aggregate classification (germline): Uncertain significance (1 of 4 stars; one submission).

Submission:

Labcorp Genetics (formerly Invitae), Labcorp
Classification: Uncertain significance. Last evaluated: 2022-06-19. Review status: criteria provided, single submitter. Criteria: Invitae Variant Classification Sherloc (09022015). Collection method: clinical testing. Allele origin: germline.
Comment: In summary, the available evidence is currently insufficient to determine the role of this variant in disease. Therefore, it has been classified as a Variant of Uncertain Significance. This sequence change replaces valine, which is neutral and non-polar, with alanine, which is neutral and non-polar, at codon 909 of the SPEG protein (p.Val909Ala). This variant is not present in population databases (gnomAD no frequency). This variant has not been reported in the literature in individuals affected with SPEG-related conditions. Algorithms developed to predict the effect of missense changes on protein structure and function are either unavailable or do not agree on the potential impact of this missense change (SIFT: "Deleterious"; PolyPhen-2: "Probably Damaging"; Align-GVGD: "Class C0").

NM_005876.5(SPEG):c.2726T>C (p.Val909Ala)

Gene: SPEG (striated muscle enriched protein kinase; plus strand). Cytogenetic location: 2q35.
Variant type: single nucleotide variant.
Coding change: c.2726T>C on transcript NM_005876.5 (MANE Select); coding-DNA position 2726, T replaced by C.
Protein change: p.Val909Ala; replaces valine 909 with alanine.
Molecular consequence: missense variant.
Genome position (GRCh38, 1-based): chr2:219,464,453, T>C. VCF-style: chr2-219464453-T-C. GRCh37 (hg19) VCF-style: chr2-220329175-T-C.
Other names: c.179T>C, p.Val60Ala (NM_001173476.2); short protein forms V909A, V60A.
Identifiers: ClinVar variation 2005898 (VCV002005898.4), dbSNP rs2545695933, ClinGen allele CA350738760.